The following is an entry in ClinVar:

NM_000264.5(PTCH1):c.4244C>G (p.Pro1415Arg)

Gene: PTCH1 (patched 1; minus strand). Cytogenetic location: 9q22.32.
Variant type: single nucleotide variant.
Coding change: c.4244C>G on transcript NM_000264.5 (MANE Select); coding-DNA position 4244, C replaced by G.
Protein change: p.Pro1415Arg; replaces proline 1415 with arginine.
Molecular consequence: missense variant. On other transcripts: non-coding transcript variant (1).
Genome position (GRCh38, 1-based): chr9:95,447,012, G>C on the plus strand (C>G on the coding strand, the complement: PTCH1 is on the minus strand). VCF-style: chr9-95447012-G-C. GRCh37 (hg19) VCF-style: chr9-98209294-G-C.
Other names: c.4046C>G, p.Pro1349Arg (NM_001083602.3); c.4241C>G, p.Pro1414Arg (NM_001083603.3); c.3791C>G, p.Pro1264Arg (NM_001083604.3, NM_001083605.3, NM_001083606.3 and 1 more transcripts); c.4088C>G, p.Pro1363Arg (NM_001354918.2); short protein forms P1264R, P1349R, P1363R, P1414R, P1415R.
Identifiers: ClinVar variation 4801788 (VCV004801788.1).
Genomic context (GRCh38, chr9:95,447,012, plus strand): 5'-ACGTCCTGCAGCTCAATGACTTCCACCTTCGAATCCCTCCTCTCACACCGGACGTGGAAA[G>C]GCACGTGGGGGTCCTCAAACAGGCCGTGGTCAGTCTCAGGGTAGCCTGGGCAGAGTCCCC-3'
Protein context (NP_000255.2, residues 1405-1425): DHGLFEDPHV[Pro1415Arg]FHVRCERRDS

ClinVar aggregate classification (germline): Uncertain significance (1 of 4 stars; one submission).

Conditions:
Gorlin syndrome. Also called: Nevoid Basal Cell Carcinoma Syndrome; Basal cell nevus syndrome. Identifiers: Orphanet 377, MedGen C0004779, MONDO:0007187.

Submission:

Labcorp Genetics (formerly Invitae), Labcorp
Classification: Uncertain significance for Gorlin syndrome. Last evaluated: 2025-12-15. Review status: criteria provided, single submitter. Criteria: Invitae Variant Classification Sherloc (09022015). Collection method: clinical testing. Allele origin: germline.
Comment: This sequence change replaces proline, which is neutral and non-polar, with arginine, which is basic and polar, at codon 1415 of the PTCH1 protein (p.Pro1415Arg). This variant is not present in population databases (gnomAD no frequency). This variant has not been reported in the literature in individuals affected with PTCH1-related conditions. Invitae Evidence Modeling of protein sequence and biophysical properties (such as structural, functional, and spatial information, amino acid conservation, physicochemical variation, residue mobility, and thermodynamic stability) indicates that this missense variant is not expected to disrupt PTCH1 protein function with a negative predictive value of 95%. In summary, the available evidence is currently insufficient to determine the role of this variant in disease. Therefore, it has been classified as a Variant of Uncertain Significance.